The following is an entry in ClinVar:

NM_032383.5(HPS3):c.2703_2704del (p.Lys902fs)

Genes: CP (ceruloplasmin; minus strand), HPS3 (HPS3 biogenesis of lysosomal organelles complex 2 subunit 1; plus strand). Cytogenetic location: 3q24.
Variant type: Deletion.
Coding change: c.2703_2704del on transcript NM_032383.5 (MANE Select); coding-DNA positions 2703 to 2704, 2 bases deleted (GA; older notation c.2703_2704delGA).
Protein change: p.Lys902fs; shifts the reading frame from lysine 902.
Molecular consequence: frameshift variant.
Genome position (GRCh38, 1-based): chr3:149,167,147-149,167,148, GA deleted. VCF-style (leftmost placement, unchanged base first): chr3-149167146-TGA-T. GRCh37 (hg19) VCF-style: chr3-148884933-TGA-T.
Other names: c.2208_2209del, p.Lys737fs (NM_001308258.2); short protein forms K737fs, K902fs.
Identifiers: ClinVar variation 5010556 (VCV005010556.1).

ClinVar aggregate classification (germline): Pathogenic (1 of 4 stars; one submission).

Conditions:
Hermansky-Pudlak syndrome 3 (HPS3). Identifiers: Orphanet 231512, Orphanet 79430, MedGen C3888001, MONDO:0013555, OMIM 614072.

Submission:

Myriad Genetics, Inc.
Classification: Pathogenic for Hermansky-Pudlak syndrome 3. Last evaluated: 2024-05-14. Review status: criteria provided, single submitter. Criteria: Myriad Autosomal Dominant, Autosomal Recessive and X-Linked Classification Criteria (2023). Collection method: clinical testing. Allele origin: unknown.
Comment: NM_032383.3(HPS3):c.2703_2704delGA(K902Rfs*3) is expected to be pathogenic in the context of Hermansky-Pudlak syndrome, HPS3-related. This variant is predicted to lead to an abnormal or absent protein product due to the creation of a premature termination codon in HPS3, a gene where loss-of-function variants are known to be pathogenic. Please note: this variant was assessed in the context of healthy population screening.